The following is an entry in ClinVar:

NM_000543.5(SMPD1):c.1813A>G (p.Ser605Gly)

Gene: SMPD1 (sphingomyelin phosphodiesterase 1; plus strand). Cytogenetic location: 11p15.4.
Variant type: single nucleotide variant.
Coding change: c.1813A>G on transcript NM_000543.5 (MANE Select); coding-DNA position 1813, A replaced by G.
Protein change: p.Ser605Gly; replaces serine 605 with glycine.
Molecular consequence: missense variant. On other transcripts: 3 prime UTR variant (1), non-coding transcript variant (2).
Genome position (GRCh38, 1-based): chr11:6,394,524, A>G. VCF-style: chr11-6394524-A-G. GRCh37 (hg19) VCF-style: chr11-6415754-A-G.
Other names: c.1810A>G, p.Ser604Gly (NM_001007593.3); c.*306A>G (NM_001318087.2); c.892A>G, p.Ser298Gly (NM_001318088.2); c.1681A>G, p.Ser561Gly (NM_001365135.2); short protein forms S298G, S561G, S604G, S605G.
Identifiers: ClinVar variation 3378235 (VCV003378235.1).

ClinVar aggregate classification (germline): Uncertain significance (1 of 4 stars; one submission).

Submission:

GeneDx
Classification: Uncertain significance. Last evaluated: 2024-05-15. Review status: criteria provided, single submitter. Criteria: GeneDx Variant Classification Process June 2021. Collection method: clinical testing. Allele origin: germline. Affected: yes.
Comment: Observed in multiple individuals with acid sphingomyelinase (ASM)-deficient Niemann-Pick disease, but zygosity, familial segregation information, and additional clinical information was not provided (PMID: 27338287); Not observed at significant frequency in large population cohorts (gnomAD); In silico analysis indicates that this missense variant does not alter protein structure/function; This variant is associated with the following publications: (PMID: 27338287)